The following is an entry in ClinVar:

ClinVar aggregate classification (germline): Uncertain significance (1 of 4 stars; one submission).

gnomAD v4.1: 3 of 1,603,426 alleles (0.00019%); highest among the groups gnomAD compares: Non-Finnish European, 0.00026%; no homozygotes.

Submission:

Labcorp Genetics (formerly Invitae), Labcorp
Classification: Uncertain significance. Last evaluated: 2024-02-24. Review status: criteria provided, single submitter. Criteria: Invitae Variant Classification Sherloc (09022015). Collection method: clinical testing. Allele origin: germline.
Comment: This sequence change replaces glycine, which is neutral and non-polar, with valine, which is neutral and non-polar, at codon 1148 of the ADGRV1 protein (p.Gly1148Val). This variant is not present in population databases (gnomAD no frequency). This variant has not been reported in the literature in individuals affected with ADGRV1-related conditions. ClinVar contains an entry for this variant (Variation ID: 1350508). Advanced modeling of protein sequence and biophysical properties (such as structural, functional, and spatial information, amino acid conservation, physicochemical variation, residue mobility, and thermodynamic stability) has been performed at Invitae for this missense variant, however the output from this modeling did not meet the statistical confidence thresholds required to predict the impact of this variant on ADGRV1 protein function. In summary, the available evidence is currently insufficient to determine the role of this variant in disease. Therefore, it has been classified as a Variant of Uncertain Significance.

NM_032119.4(ADGRV1):c.3443G>T (p.Gly1148Val)

Gene: ADGRV1 (adhesion G protein-coupled receptor V1; plus strand). Cytogenetic location: 5q14.3.
Variant type: single nucleotide variant.
Coding change: c.3443G>T on transcript NM_032119.4 (MANE Select); coding-DNA position 3443, G replaced by T.
Protein change: p.Gly1148Val; replaces glycine 1148 with valine.
Molecular consequence: missense variant. On other transcripts: non-coding transcript variant (1).
Genome position (GRCh38, 1-based): chr5:90,652,372, G>T. VCF-style: chr5-90652372-G-T. GRCh37 (hg19) VCF-style: chr5-89948189-G-T.
Other names: short protein forms G1148V.
Identifiers: ClinVar variation 1350508 (VCV001350508.7), dbSNP rs200945405, ClinGen allele CA360397229.
Genomic context (GRCh38, chr5:90,652,372, plus strand): 5'-ACTACTTATAAATTTTCTTTAATTTATTTTGTAGGATTTTGAGGCACCGAGGATACTTTG[G>T]TAGTGTTTCTGTATCTTGGCAGCTCTTTCAGAATGATTCTGCTTTGCAGCCTGGGCAGGA-3'
Protein context (NP_115495.3, residues 1138-1158): FWILRHRGYF[Gly1148Val]SVSVSWQLFQ